The following is an entry in ClinVar:

ClinVar aggregate classification (germline): Benign (1 of 4 stars; one submission).

Conditions:
Atypical hemolytic-uremic syndrome. Identifiers: Orphanet 2134, MedGen C2931788, MONDO:0016244.
Basal laminar drusen. Also called: DRUSEN OF BRUCH MEMBRANE; DRUSEN, CUTICULAR; DRUSEN, EARLY ADULT-ONSET, GROUPED. Identifiers: Orphanet 75376, MedGen C0730295, MONDO:0007472, OMIM 126700.
Factor H deficiency (CFHD). Also called: COMPLEMENT FACTOR H DEFICIENCY; CFH DEFICIENCY. Identifiers: Orphanet 200421, MedGen C0398777, MONDO:0012350, OMIM 609814.
Age related macular degeneration 4. Identifiers: MedGen C1853147, MONDO:0012540, OMIM 610698.

Submission:

Genomenon, Inc
Classification: Benign for Basal laminar drusen; Age related macular degeneration 4; Atypical hemolytic-uremic syndrome; Factor H deficiency. Last evaluated: 2025-10-02. Review status: criteria provided, single submitter. Criteria: Genomenon Sequence Variant Interpretation Standards - Updated. Collection method: curation. Allele origin: germline. Affected: no.
Comment: CFH c.3311-59del is an intronic variant located in intron 20. This variant is present at high allele frequency in population databases. In conclusion, we classify CFH c.3311-59del as a benign variant.

NM_000186.4(CFH):c.3311-59del

Gene: CFH (complement factor H; plus strand). Cytogenetic location: 1q31.3.
Variant type: Deletion.
Coding change: c.3311-59del on transcript NM_000186.4 (MANE Select); 59 bases into the intron before coding-DNA position 3311, one base deleted (T; older notation c.3311-59delT).
Molecular consequence: intron variant.
Genome position (GRCh38, 1-based): chr1:196,745,758, T deleted; the last of 3 consecutive T bases (chr1:196,745,756-196,745,758); deleting any one gives the same sequence. VCF-style (leftmost placement, unchanged base first): chr1-196745755-AT-A. GRCh37 (hg19) VCF-style: chr1-196714885-AT-A.
Identifiers: ClinVar variation 4291555 (VCV004291555.1).